The following is an entry in ClinVar:

ClinVar aggregate classification (germline): Uncertain significance (1 of 4 stars; one submission).

Conditions:
Neurofibromatosis, type 1 (NF1). Also called: Neurofibromatosis, type I; Peripheral type neurofibromatosis; VON RECKLINGHAUSEN DISEASE; NEUROFIBROMATOSIS, TYPE I, SOMATIC. Identifiers: Orphanet 636, MedGen C0027831, MONDO:0018975, OMIM 162200. Disease mechanism: loss of function.

Submission:

Labcorp Genetics (formerly Invitae), Labcorp
Classification: Uncertain significance for Neurofibromatosis, type 1. Last evaluated: 2021-06-27. Review status: criteria provided, single submitter. Criteria: Invitae Variant Classification Sherloc (09022015). Collection method: clinical testing. Allele origin: germline.
Comment: This variant, c.5619_5620delinsCT, is a complex sequence change that results in the deletion and insertion of two amino acid(s) in the NF1 protein (p.Glu1873_Thr1874delinsAspSer). The frequency data for this variant in the population databases is not available, as this variant may be reported as separate entries in the ExAC database. This variant has not been reported in the literature in individuals with NF1-related conditions. Experimental studies and prediction algorithms are not available or were not evaluated, and the functional significance of this variant is currently unknown. In summary, the available evidence is currently insufficient to determine the role of this variant in disease. Therefore, it has been classified as a Variant of Uncertain Significance.

NM_001042492.3(NF1):c.5682_5683delinsCT (p.Glu1894_Thr1895delinsAspSer)

Gene: NF1 (neurofibromin 1; plus strand). Cytogenetic location: 17q11.2.
Variant type: Indel.
Coding change: c.5682_5683delinsCT on transcript NM_001042492.3 (MANE Select); coding-DNA positions 5682 to 5683, GA replaced by CT.
Protein change: p.Glu1894_Thr1895delinsAspSer.
Molecular consequence: missense variant.
Genome position (GRCh38, 1-based): chr17:31,330,368-31,330,369, GA replaced by CT. VCF-style: chr17-31330368-GA-CT. GRCh37 (hg19) VCF-style: chr17-29657386-GA-CT.
Other names: c.5619_5620delGAinsCT, p.Glu1873_Thr1874delinsAspSer (NM_000267.4).
Identifiers: ClinVar variation 1515945 (VCV001515945.8), dbSNP rs2151544601, ClinGen allele CA2573153418.